The following is an entry in ClinVar:

ClinVar aggregate classification (germline): Uncertain significance (1 of 4 stars; one submission).

Conditions:
Dilated cardiomyopathy 1G (CMD1G). Identifiers: Orphanet 154, MedGen C1858763, MONDO:0011400, OMIM 604145.
Autosomal recessive limb-girdle muscular dystrophy type 2J (LGMDR10). Also called: Limb-girdle muscular dystrophy, type 2J; MUSCULAR DYSTROPHY, LIMB-GIRDLE, AUTOSOMAL RECESSIVE 10. Identifiers: Orphanet 140922, MedGen C1837342, MONDO:0012127, OMIM 608807.

Submission:

Labcorp Genetics (formerly Invitae), Labcorp
Classification: Uncertain significance for Dilated cardiomyopathy 1G; Autosomal recessive limb-girdle muscular dystrophy type 2J. Last evaluated: 2020-03-07. Review status: criteria provided, single submitter. Criteria: Invitae Variant Classification Sherloc (09022015). Collection method: clinical testing. Allele origin: germline.
Comment: In summary, the available evidence is currently insufficient to determine the role of this variant in disease. Therefore, it has been classified as a Variant of Uncertain Significance. Nucleotide substitutions within the consensus splice site are a relatively common cause of aberrant splicing (PMID: 17576681, 9536098). Algorithms developed to predict the effect of sequence changes on RNA splicing suggest that this variant may disrupt the consensus splice site, but this prediction has not been confirmed by published transcriptional studies. This variant is located in the M band of TTN (PMID: 25589632).¬†Variants in this region may be relevant for neuromuscular disorders, but have not been definitively shown to cause cardiomyopathy (PMID: 23975875). This variant has not been reported in the literature in individuals with TTN-related conditions. This variant is not present in population databases (ExAC no frequency). This sequence change falls in intron 361 of the TTN gene. It does not directly change the encoded amino acid sequence of the TTN protein, but it affects a nucleotide within the consensus splice site of the intron.

Literature cited by the submitters: PubMed 17576681; PubMed 9536098; PubMed 25589632; PubMed 23975875.

NM_001267550.2(TTN):c.107378-3C>G

Genes: TTN-AS1 (TTN antisense RNA 1; plus strand), TTN (titin; minus strand). Cytogenetic location: 2q31.2.
Variant type: single nucleotide variant.
Coding change: c.107378-3C>G on transcript NM_001267550.2 (MANE Select); 3 bases into the intron before coding-DNA position 107378, C replaced by G.
Molecular consequence: intron variant.
Genome position (GRCh38, 1-based): chr2:178,527,751, G>C on the plus strand (C>G on the coding strand, the complement: TTN is on the minus strand). VCF-style: chr2-178527751-G-C. GRCh37 (hg19) VCF-style: chr2-179392478-G-C.
Other names: c.80183-3C>G (NM_003319.4); c.80759-3C>G (NM_133437.4); c.80558-3C>G (NM_133432.3); c.99674-3C>G (NM_133378.4); c.102455-3C>G (NM_001256850.1).
Identifiers: ClinVar variation 935519 (VCV000935519.8), dbSNP rs762133725, ClinGen allele CA1139657378.